The following is an entry in ClinVar:

ClinVar aggregate classification (germline): Conflicting classifications of pathogenicity. Review status: criteria provided, conflicting classifications (1 of 4 stars). 3 submissions from 3 submitters: Uncertain significance (2); Benign (1). Last evaluated 2026-07-07.

Conditions:
Hereditary cancer-predisposing syndrome. Also called: Tumor predisposition; Hereditary neoplastic syndrome; Neoplastic Syndromes, Hereditary; Hereditary Cancer Syndrome. Identifiers: Orphanet 140162, MedGen C0027672, MeSH D009386, MONDO:0015356.
Multiple endocrine neoplasia, type 2 (MEN2). Identifiers: Orphanet 653, MedGen C4048306, MONDO:0019003. Disease mechanism: gain of function.

Submissions (3):

Ambry Genetics
Classification: Uncertain significance for Hereditary cancer-predisposing syndrome. Last evaluated: 2026-07-07. Review status: criteria provided, single submitter. Criteria: Ambry Variant Classification Scheme 2023. Collection method: clinical testing. Allele origin: germline.
Comment: The p.Q490E variant (also known as c.1468C>G), located in coding exon 7 of the RET gene, results from a C to G substitution at nucleotide position 1468. The glutamine at codon 490 is replaced by glutamic acid, an amino acid with highly similar properties. This amino acid position is conserved. In addition, this alteration is predicted to be tolerated by in silico analysis. Based on the available evidence, the clinical significance of this variant remains unclear.

Mendelics
Classification: Benign. Last evaluated: 2022-05-04. Review status: criteria provided, single submitter. Criteria: Mendelics Assertion Criteria 2019. Collection method: clinical testing. Allele origin: germline.

Labcorp Genetics (formerly Invitae), Labcorp
Classification: Uncertain significance for Multiple endocrine neoplasia, type 2. Last evaluated: 2021-12-19. Review status: criteria provided, single submitter. Criteria: Invitae Variant Classification Sherloc (09022015). Collection method: clinical testing. Allele origin: germline.
Comment: This sequence change replaces glutamine, which is neutral and polar, with glutamic acid, which is acidic and polar, at codon 490 of the RET protein (p.Gln490Glu). This variant is not present in population databases (gnomAD no frequency). This variant has not been reported in the literature in individuals affected with RET-related conditions. Algorithms developed to predict the effect of missense changes on protein structure and function are either unavailable or do not agree on the potential impact of this missense change (SIFT: "Deleterious"; PolyPhen-2: "Benign"; Align-GVGD: "Class C0"). In summary, the available evidence is currently insufficient to determine the role of this variant in disease. Therefore, it has been classified as a Variant of Uncertain Significance.

NM_020975.6(RET):c.1468C>G (p.Gln490Glu)

Gene: RET (ret proto-oncogene; plus strand). Cytogenetic location: 10q11.21.
Variant type: single nucleotide variant.
Coding change: c.1468C>G on transcript NM_020975.6 (MANE Select); coding-DNA position 1468, C replaced by G.
Protein change: p.Gln490Glu; replaces glutamine 490 with glutamic acid.
Molecular consequence: missense variant.
Genome position (GRCh38, 1-based): chr10:43,111,411, C>G. VCF-style: chr10-43111411-C-G. GRCh37 (hg19) VCF-style: chr10-43606859-C-G.
Other names: c.1468C>G, p.Gln490Glu (NM_000323.2, NM_001406743.1, NM_001406744.1 and 6 more transcripts); c.706C>G, p.Gln236Glu (NM_001355216.2); c.1339C>G, p.Gln447Glu (NM_001406761.1, NM_001406762.1, NM_001406764.1 and 1 more transcripts); c.1180C>G, p.Gln394Glu (NM_001406766.1, NM_001406767.1, NM_001406770.1); c.1072C>G, p.Gln358Glu (NM_001406769.1, NM_001406772.1); c.1030C>G, p.Gln344Glu (NM_001406771.1, NM_001406773.1); c.943C>G, p.Gln315Glu (NM_001406774.1); c.742C>G, p.Gln248Glu (NM_001406775.1, NM_001406776.1, NM_001406777.1 and 1 more transcripts); and 1 more; short protein forms Q236E, Q490E, Q160E, Q344E, Q358E, Q315E, Q394E, Q248E.
Identifiers: ClinVar variation 1686285 (VCV001686285.8), dbSNP rs1588871393, ClinGen allele CA376549775.